The following is an entry in ClinVar:

NM_025137.4(SPG11):c.7024G>A (p.Asp2342Asn)

Gene: SPG11 (SPG11 vesicle trafficking associated, spatacsin; minus strand). Cytogenetic location: 15q21.1.
Variant type: single nucleotide variant.
Coding change: c.7024G>A on transcript NM_025137.4 (MANE Select); coding-DNA position 7024, G replaced by A.
Protein change: p.Asp2342Asn; replaces aspartic acid 2342 with asparagine.
Molecular consequence: missense variant.
Genome position (GRCh38, 1-based): chr15:44,564,674, C>T on the plus strand (G>A on the coding strand, the complement: SPG11 is on the minus strand). VCF-style: chr15-44564674-C-T. GRCh37 (hg19) VCF-style: chr15-44856872-C-T.
Other names: p.Asp2342Asn; c.6685G>A, p.Asp2229Asn (NM_001160227.2); short protein forms D2229N, D2342N.
Identifiers: ClinVar variation 1693643 (VCV001693643.6), dbSNP rs529842519, ClinGen allele CA7533919.

ClinVar aggregate classification (germline): Uncertain significance. Review status: criteria provided, multiple submitters, no conflicts (2 of 4 stars). 2 submissions from 2 submitters: Uncertain significance (2). Last evaluated 2022-08-20.

Conditions:
Hereditary spastic paraplegia 11. Also called: SPASTIC PARAPLEGIA, AUTOSOMAL RECESSIVE, COMPLICATED, WITH THIN CORPUS CALLOSUM; SPASTIC PARAPLEGIA, AUTOSOMAL RECESSIVE, WITH MENTAL IMPAIRMENT AND THIN CORPUS CALLOSUM; Spastic Paraplegia 11; Spastic paraplegia, mental retardation and thin corpus callosum; Nakamura Osame syndrome; Autosomal recessive hereditary spastic paraplegia, mental impairment, and thin corpus callosum. Identifiers: Orphanet 2822, MedGen C1858479, MONDO:0011445, OMIM 604360.

Allele frequency attached by ClinVar (database versions not stated): TOPMed 0.00002; 1000 Genomes Project 0.00020; 1000 Genomes Project 30x 0.00031.
gnomAD v4.1: 41 of 1,614,124 alleles (0.0025%); highest among the groups gnomAD compares: South Asian, 0.021%; no homozygotes.

Submissions (2):

Labcorp Genetics (formerly Invitae), Labcorp
Classification: Uncertain significance for Hereditary spastic paraplegia 11. Last evaluated: 2022-08-20. Review status: criteria provided, single submitter. Criteria: Invitae Variant Classification Sherloc (09022015). Collection method: clinical testing. Allele origin: germline.
Comment: This sequence change replaces aspartic acid, which is acidic and polar, with asparagine, which is neutral and polar, at codon 2342 of the SPG11 protein (p.Asp2342Asn). This variant is present in population databases (rs529842519, gnomAD 0.006%). This variant has not been reported in the literature in individuals affected with SPG11-related conditions. ClinVar contains an entry for this variant (Variation ID: 1693643). Algorithms developed to predict the effect of missense changes on protein structure and function are either unavailable or do not agree on the potential impact of this missense change (SIFT: "Tolerated"; PolyPhen-2: "Probably Damaging"; Align-GVGD: "Class C0"). In summary, the available evidence is currently insufficient to determine the role of this variant in disease. Therefore, it has been classified as a Variant of Uncertain Significance.

Mayo Clinic Laboratories, Mayo Clinic
Classification: Uncertain significance. Last evaluated: 2021-11-04. Review status: criteria provided, single submitter. Criteria: ACMG Guidelines, 2015. Collection method: clinical testing. Allele origin: germline.